The following is an entry in ClinVar:

NM_018834.6(MATR3):c.2300A>T (p.Asp767Val)

Gene: MATR3 (matrin 3; plus strand). Cytogenetic location: 5q31.2.
Variant type: single nucleotide variant.
Coding change: c.2300A>T on transcript NM_018834.6 (MANE Select); coding-DNA position 2300, A replaced by T.
Protein change: p.Asp767Val; replaces aspartic acid 767 with valine.
Molecular consequence: missense variant.
Genome position (GRCh38, 1-based): chr5:139,325,591, A>T. VCF-style: chr5-139325591-A-T. GRCh37 (hg19) VCF-style: chr5-138661280-A-T.
Other names: c.2300A>T, p.Asp767Val (NM_001194954.2, NM_001400448.1, NM_001400450.1 and 11 more transcripts); c.2444A>T, p.Asp815Val (NM_001400441.1, NM_001400442.1, NM_001400443.1 and 2 more transcripts); c.1436A>T, p.Asp479Val (NM_001194956.2); c.1286A>T, p.Asp429Val (NM_001282278.2, NM_001400462.1, NM_001400463.1 and 4 more transcripts); c.1439A>T, p.Asp480Val (NM_001400459.1); c.1430A>T, p.Asp477Val (NM_001400460.1); c.1400A>T, p.Asp467Val (NM_001400461.1); short protein forms D467V, D767V, D429V, D480V, D477V, D479V, D815V.
Identifiers: ClinVar variation 2114148 (VCV002114148.4), dbSNP rs2546884490, ClinGen allele CA361146533.

ClinVar aggregate classification (germline): Uncertain significance (1 of 4 stars; one submission).

Conditions:
Amyotrophic lateral sclerosis type 21. Also called: MYOPATHY, DISTAL, 2; VOCAL CORD AND PHARYNGEAL DYSFUNCTION WITH DISTAL MYOPATHY. Identifiers: Orphanet 600, Orphanet 803, MedGen C3807521, MONDO:0011632, OMIM 606070.

Allele frequency attached by ClinVar (database versions not stated): gnomAD exomes below 0.00001.
gnomAD v4.1: 1 of 1,614,232 alleles (0.000062%); highest among the groups gnomAD compares: Non-Finnish European, 0.000085%; no homozygotes.

Submission:

Labcorp Genetics (formerly Invitae), Labcorp
Classification: Uncertain significance for Amyotrophic lateral sclerosis type 21. Last evaluated: 2022-03-19. Review status: criteria provided, single submitter. Criteria: Invitae Variant Classification Sherloc (09022015). Collection method: clinical testing. Allele origin: germline.
Comment: In summary, the available evidence is currently insufficient to determine the role of this variant in disease. Therefore, it has been classified as a Variant of Uncertain Significance. Algorithms developed to predict the effect of missense changes on protein structure and function are either unavailable or do not agree on the potential impact of this missense change (SIFT: "Deleterious"; PolyPhen-2: "Benign"; Align-GVGD: "Class C0"). This variant has not been reported in the literature in individuals affected with MATR3-related conditions. This variant is not present in population databases (gnomAD no frequency). This sequence change replaces aspartic acid, which is acidic and polar, with valine, which is neutral and non-polar, at codon 767 of the MATR3 protein (p.Asp767Val).